The following is an entry in ClinVar:

NM_007050.6(PTPRT):c.141A>G (p.Leu47=)

Gene: PTPRT (protein tyrosine phosphatase receptor type T; minus strand). Cytogenetic location: 20q12.
Variant type: single nucleotide variant.
Coding change: c.141A>G on transcript NM_007050.6 (MANE Select); coding-DNA position 141, A replaced by G.
Protein change: p.Leu47=; no amino-acid change (leucine 47 retained).
Molecular consequence: synonymous variant.
Genome position (GRCh38, 1-based): chr20:42,885,880, T>C on the plus strand (A>G on the coding strand, the complement: PTPRT is on the minus strand). VCF-style: chr20-42885880-T-C. GRCh37 (hg19) VCF-style: chr20-41514520-T-C.
Other names: c.141A>G, p.Leu47= (NM_001394024.1, NM_001394025.1, NM_001394026.1 and 1 more transcripts).
Identifiers: ClinVar variation 3053800 (VCV003053800.2), dbSNP rs556543750, ClinGen allele CA9864909.

ClinVar aggregate classification (germline): Benign (0 of 4 stars; one submission).

Conditions:
PTPRT-related disorder. Also called: PTPRT-related condition.

Allele frequency attached by ClinVar (database versions not stated): TOPMed 0.00004; gnomAD 0.00033; gnomAD exomes 0.00068; ExAC 0.00171; 1000 Genomes Project 30x 0.00187; 1000 Genomes Project 0.00220.
gnomAD v4.1: 1,028 of 1,610,990 alleles (0.064%); highest among the groups gnomAD compares: South Asian, 1.1%; 13 homozygotes.

Submission:

PreventionGenetics, part of Exact Sciences
Classification: Benign for PTPRT-related condition. Last evaluated: 2019-04-18. Review status: no assertion criteria provided. Collection method: clinical testing. Allele origin: germline.
Comment: This variant is classified as benign based on ACMG/AMP sequence variant interpretation guidelines (Richards et al. 2015 PMID: 25741868, with internal and published modifications).